The following is an entry in ClinVar:

ClinVar aggregate classification (germline): Uncertain significance. Review status: criteria provided, multiple submitters, no conflicts (2 of 4 stars). 2 submissions from 2 submitters: Uncertain significance (2). Last evaluated 2025-06-23.

Conditions:
Inborn genetic diseases. Identifiers: MedGen C0950123, MeSH D030342.
Multiple acyl-CoA dehydrogenase deficiency (MADD). Also called: Glutaric aciduria, type 2; ETHYLMALONIC-ADIPICACIDURIA; GA II; Glutaric acidemia type II; GA 2; Glutaric Acidemia type 2. Identifiers: Orphanet 26791, MedGen C0268596, MONDO:0009282, OMIM 231680.

Allele frequency attached by ClinVar (database versions not stated): ExAC 0.00001; gnomAD exomes 0.00001.
gnomAD v4.1: 3 of 1,607,586 alleles (0.00019%); highest among the groups gnomAD compares: Admixed American, 0.005%; no homozygotes.

Submissions (2):

Ambry Genetics
Classification: Uncertain significance for Inborn genetic diseases. Last evaluated: 2025-06-23. Review status: criteria provided, single submitter. Criteria: Ambry Variant Classification Scheme 2023. Collection method: clinical testing. Allele origin: germline.

Labcorp Genetics (formerly Invitae), Labcorp
Classification: Uncertain significance for Multiple acyl-CoA dehydrogenase deficiency. Last evaluated: 2022-04-12. Review status: criteria provided, single submitter. Criteria: Invitae Variant Classification Sherloc (09022015). Collection method: clinical testing. Allele origin: germline.
Comment: This sequence change replaces isoleucine, which is neutral and non-polar, with valine, which is neutral and non-polar, at codon 374 of the ETFDH protein (p.Ile374Val). This variant is present in population databases (rs759143731, gnomAD 0.006%). This variant has not been reported in the literature in individuals affected with ETFDH-related conditions. Advanced modeling of protein sequence and biophysical properties (such as structural, functional, and spatial information, amino acid conservation, physicochemical variation, residue mobility, and thermodynamic stability) performed at Invitae indicates that this missense variant is not expected to disrupt ETFDH protein function. In summary, the available evidence is currently insufficient to determine the role of this variant in disease. Therefore, it has been classified as a Variant of Uncertain Significance.

NM_004453.4(ETFDH):c.1120A>G (p.Ile374Val)

Gene: ETFDH (electron transfer flavoprotein dehydrogenase; plus strand). Cytogenetic location: 4q32.1.
Variant type: single nucleotide variant.
Coding change: c.1120A>G on transcript NM_004453.4 (MANE Select); coding-DNA position 1120, A replaced by G.
Protein change: p.Ile374Val; replaces isoleucine 374 with valine.
Molecular consequence: missense variant.
Genome position (GRCh38, 1-based): chr4:158,703,426, A>G. VCF-style: chr4-158703426-A-G. GRCh37 (hg19) VCF-style: chr4-159624578-A-G.
Other names: c.979A>G, p.Ile327Val (NM_001281737.2); c.937A>G, p.Ile313Val (NM_001281738.1); c.1120A>G (NM_004453.2); short protein forms I313V, I374V, I327V.
Identifiers: ClinVar variation 2185409 (VCV002185409.2), dbSNP rs759143731, ClinGen allele CA3122565.